The following is an entry in ClinVar:

NM_000143.4(FH):c.1351G>T (p.Glu451Ter)

Gene: FH (fumarate hydratase; minus strand). Cytogenetic location: 1q43.
Variant type: single nucleotide variant.
Coding change: c.1351G>T on transcript NM_000143.4 (MANE Select); coding-DNA position 1351, G replaced by T.
Protein change: p.Glu451Ter; replaces glutamic acid 451 with a stop codon.
Molecular consequence: nonsense.
Genome position (GRCh38, 1-based): chr1:241,500,476, C>A on the plus strand (G>T on the coding strand, the complement: FH is on the minus strand). VCF-style: chr1-241500476-C-A. GRCh37 (hg19) VCF-style: chr1-241663776-C-A.
Other names: short protein forms E451*.
Identifiers: ClinVar variation 575998 (VCV000575998.12), dbSNP rs1558396320, ClinGen allele CA345436446.

ClinVar aggregate classification (germline): Pathogenic (1 of 4 stars; one submission).

Submission:

Labcorp Genetics (formerly Invitae), Labcorp
Classification: Pathogenic. Last evaluated: 2018-09-06. Review status: criteria provided, single submitter. Criteria: Invitae Variant Classification Sherloc (09022015). Collection method: clinical testing. Allele origin: germline.
Comment: This variant is not present in population databases (ExAC no frequency). This variant has not been reported in the literature in individuals with FH-related disease. Two different variants (c.1499G>A and c.1500G>A) giving rise to the same truncation (p.Trp500*) lie downstream of this variant and have been determined to be pathogenic (PMID: 9635293, 21398687). This suggests that deletion of this region of the FH protein is causative of disease. For these reasons, this variant has been classified as Pathogenic. This sequence change results in a premature translational stop signal in the FH gene (p.Glu451*). While this is not anticipated to result in nonsense mediated decay, it is expected to disrupt the last 60 amino acids of the FH protein.

Literature cited by the submitters: PubMed 9635293; PubMed 21398687.